The following is an entry in ClinVar:

ClinVar aggregate classification (germline): Uncertain significance (1 of 4 stars; one submission).

Submission:

GeneDx
Classification: Uncertain significance. Last evaluated: 2022-06-10. Review status: criteria provided, single submitter. Criteria: GeneDx Variant Classification Process June 2021. Collection method: clinical testing. Allele origin: germline. Affected: yes.
Comment: Not observed at significant frequency in large population cohorts (gnomAD); In silico analysis supports that this missense variant has a deleterious effect on protein structure/function; Has not been previously published as pathogenic or benign to our knowledge

NM_001961.4(EEF2):c.479T>G (p.Met160Arg)

Gene: EEF2 (eukaryotic translation elongation factor 2; minus strand). Cytogenetic location: 19p13.3.
Variant type: single nucleotide variant.
Coding change: c.479T>G on transcript NM_001961.4 (MANE Select); coding-DNA position 479, T replaced by G.
Protein change: p.Met160Arg; replaces methionine 160 with arginine.
Molecular consequence: missense variant.
Genome position (GRCh38, 1-based): chr19:3,982,940, A>C on the plus strand (T>G on the coding strand, the complement: EEF2 is on the minus strand). VCF-style: chr19-3982940-A-C. GRCh37 (hg19) VCF-style: chr19-3982938-A-C.
Other names: short protein forms M160R.
Identifiers: ClinVar variation 1803415 (VCV001803415.1), dbSNP rs2512206522, ClinGen allele CA403394813.